The following is an entry in ClinVar:

NM_004793.4(LONP1):c.2860G>T (p.Ala954Ser)

Gene: LONP1 (lon peptidase 1, mitochondrial; minus strand). Cytogenetic location: 19p13.3.
Variant type: single nucleotide variant.
Coding change: c.2860G>T on transcript NM_004793.4 (MANE Select); coding-DNA position 2860, G replaced by T.
Protein change: p.Ala954Ser; replaces alanine 954 with serine.
Molecular consequence: missense variant. On other transcripts: non-coding transcript variant (1).
Genome position (GRCh38, 1-based): chr19:5,692,052, C>A on the plus strand (G>T on the coding strand, the complement: LONP1 is on the minus strand). VCF-style: chr19-5692052-C-A. GRCh37 (hg19) VCF-style: chr19-5692063-C-A.
Other names: c.2668G>T, p.Ala890Ser (NM_001276479.2); c.2272G>T, p.Ala758Ser (NM_001276480.1); short protein forms A758S, A890S, A954S.
Identifiers: ClinVar variation 1719619 (VCV001719619.5), dbSNP rs2054833252, ClinGen allele CA403524599.

ClinVar aggregate classification (germline): Uncertain significance (1 of 4 stars; one submission).

Allele frequency attached by ClinVar (database versions not stated): TOPMed below 0.00001.

Submission:

Labcorp Genetics (formerly Invitae), Labcorp
Classification: Uncertain significance. Last evaluated: 2022-09-26. Review status: criteria provided, single submitter. Criteria: Invitae Variant Classification Sherloc (09022015). Collection method: clinical testing. Allele origin: germline.
Comment: In summary, the available evidence is currently insufficient to determine the role of this variant in disease. Therefore, it has been classified as a Variant of Uncertain Significance. Algorithms developed to predict the effect of missense changes on protein structure and function (SIFT, PolyPhen-2, Align-GVGD) all suggest that this variant is likely to be tolerated. This variant has not been reported in the literature in individuals affected with LONP1-related conditions. This variant is not present in population databases (gnomAD no frequency). This sequence change replaces alanine, which is neutral and non-polar, with serine, which is neutral and polar, at codon 954 of the LONP1 protein (p.Ala954Ser).